The following is an entry in ClinVar:

NM_006486.3(FBLN1):c.1698-11532_1698-11531del

Gene: FBLN1 (fibulin 1; plus strand). Cytogenetic location: 22q13.31.
Variant type: Deletion.
Coding change: c.1698-11532_1698-11531del on transcript NM_006486.3 (MANE Select); 11532 bases into the intron before coding-DNA position 1698 through 11531 bases into the intron before coding-DNA position 1698, 2 bases deleted (TA; older notation c.1698-11532_1698-11531delTA).
Molecular consequence: intron variant. On other transcripts: frameshift variant (1).
Genome position (GRCh38, 1-based): chr22:45,562,979-45,562,980, TA deleted. VCF-style (leftmost placement, unchanged base first): chr22-45562978-CTA-C. GRCh37 (hg19) VCF-style: chr22-45958858-CTA-C.
Other names: c.1765_1766del, p.Tyr589fs (NM_001996.4); c.1698-1905_1698-1904del (NM_006485.4); short protein forms Y589fs.
Identifiers: ClinVar variation 3037032 (VCV003037032.2), dbSNP rs1167899898, ClinGen allele CA639831703.

ClinVar aggregate classification (germline): Uncertain significance (0 of 4 stars; one submission).

Conditions:
FBLN1-related disorder. Also called: FBLN1-related condition.

Allele frequency attached by ClinVar (database versions not stated): gnomAD exomes 0.00001; TOPMed 0.00001.

Submission:

PreventionGenetics, part of Exact Sciences
Classification: Uncertain significance for FBLN1-related condition. Last evaluated: 2024-02-26. Review status: no assertion criteria provided. Collection method: clinical testing. Allele origin: germline.
Comment: The FBLN1 c.1765_1766delTA variant is predicted to result in a frameshift and premature protein termination (p.Tyr589Profs*37). This frameshift variant is located in the last exon of transcript NM_001996 of the FBLN1 gene and no variants downstream have been reported in the literature. In addition, this variant is in the non-coding region of primary transcript of the FBLN1 gene (NM_006486:c.1698-11532_1698-11531delTA). To our knowledge, this variant has not been reported in the literature. This variant is reported in 0.00088% of alleles in individuals of European (Non-Finnish) descent in gnomAD. At this time, the clinical significance of this variant is uncertain due to the absence of conclusive functional and genetic evidence.